The following is an entry in ClinVar:

ClinVar aggregate classification (germline): Conflicting classifications of pathogenicity. Review status: criteria provided, conflicting classifications (1 of 4 stars). 23 submissions from 23 submitters: Uncertain significance (11); Benign (3); Likely benign (4). 5 of the submissions do not count toward it. Last evaluated 2026-10-01.

Conditions:
Cystic fibrosis diagnostic test.
CFTR-related disorder (CFTR-RD). Also called: CFTR-related disorders; CFTR-related condition. Identifiers: MedGen C5924204, MONDO:7770004.
Nephronophthisis 14 (NPHP14). Identifiers: Orphanet 2318, MedGen C3539071, MONDO:0013916, OMIM 614844.
Cystic fibrosis (CF). Also called: MUCOVISCIDOSIS. Identifiers: Orphanet 586, MedGen C0010674, MONDO:0009061, OMIM 219700. Disease mechanism: loss of function.

Allele frequency attached by ClinVar (database versions not stated): TOPMed 0.00060; gnomAD exomes 0.00191 and 0.00444; 1000 Genomes Project 30x 0.00265; 1000 Genomes Project 0.00300; gnomAD 0.00335 and 0.00341; ExAC 0.00392.

Submissions 1 to 9 of 23:

GeneDx
Classification: Uncertain significance. Last evaluated: 2026-10-01. Review status: criteria provided, single submitter. Criteria: GeneDx Variant Classification Process June 2021. Collection method: clinical testing. Allele origin: germline.
Comment: Functional studies are conflicting: some suggest a damaging effect on mature protein expression, chloride channel activity, and chloride/bicarbonate exchange, while others demonstrate no impact on maturation or transport of CFTR (PMID: 12952861, 29307731, 31882543, 11278813); Observed in individuals with features of cystic fibrosis, congenital absence of the vas deferens, pancreatitis, bronchiectasis, and positive newborn screens, with and without additional CFTR variants reported, but familial segregation information and additional clinical information was not included (PMID: 32777524, 10922396, 16596947, 29173301, 29997923, 31916691, 36437957, 37761847, 32429104); Observed with CF-causing variants on the opposite allele (in trans) in asymptomatic individuals (PMID: 28603918); Observed in the homozygous state in healthy adult individuals tested at GeneDx and in large population cohorts (gnomAD); In silico analysis suggests that this missense variant does not alter protein structure/function; This variant is associated with the following publications: (PMID: 25087612, 23951356, 29058463, 34426522, 17516627, 21520337, 34405919, 29307731, 15463840, 11589722, 16126774, 11938439, 22664493, 26089335, 34996830, 16596947, 20558957, 17539902, 10922396, 22483971, 32777524, 29173301, 24586523, 12952861, 27706244, 26436105, 20879059, 29997923, 18304229, 31916691, 11278813, 31882543, 37761847, 36437957, 38388235, 32429104, 36409994, 35858753, 39457459, 40433478, 28603918, 39574132, 40044664, 41198504, 42737613, 40955454, 41417682, Kurt2025[CaseReport], 38978874, 40065563, 41039378)

CeGaT Center for Human Genetics Tuebingen
Classification: Likely benign. Last evaluated: 2026-07-01. Review status: criteria provided, single submitter. Criteria: CeGaT Center For Human Genetics Tuebingen Variant Classification Criteria Version 2. Collection method: clinical testing. Allele origin: germline. Affected: yes. Observed: 9 variant alleles.
Comment: CFTR: BS2

NHS Central & South Genomic Laboratory Hub
Classification: Uncertain significance for Cystic fibrosis diagnostic test. Last evaluated: 2026-04-22. Review status: criteria provided, single submitter. Criteria: ACMG Guidelines, 2015. Collection method: clinical testing. Allele origin: germline. Affected: yes.

Labcorp Genetics (formerly Invitae), Labcorp
Classification: Benign for Cystic fibrosis. Last evaluated: 2026-02-04. Review status: criteria provided, single submitter. Criteria: Invitae Variant Classification Sherloc (09022015). Collection method: clinical testing. Allele origin: germline.

Johns Hopkins Genomics, Johns Hopkins University
Classification: Benign for Nephronophthisis 14. Last evaluated: 2025-09-25. Review status: criteria provided, single submitter. Criteria: ACMG Guidelines, 2015. Collection method: clinical testing. Allele origin: germline.
Comment: CFTR c.650A>G (p.Glu217Gly) was identified by this test and is classified as benign for cystic fibrosis by our laboratory. One study demonstrates that this variant is associated with decreased CFTR function (48.29% of wild type function) that is above the level observed for CF-causing variants (<10% wild type function). Thus, while this variant is not expected to cause CF, it may contribute to the development of CF-like symptoms in some individuals.

Women's Health and Genetics/Laboratory Corporation of America, LabCorp
Classification: Likely benign. Last evaluated: 2025-07-02. Review status: criteria provided, single submitter. Criteria: LabCorp Variant Classification Summary - May 2015. Collection method: clinical testing. Allele origin: germline.
Comment: Variant summary: CFTR c.650A>G (p.Glu217Gly) results in a non-conservative amino acid change located in the ABC transporter type 1, transmembrane domain (IPR011527) of the encoded protein sequence. Algorithms developed to predict the effect of missense changes on protein structure and function all suggest that this variant is likely to be disruptive. The variant allele was found at a frequency of 0.0047 in 259928 control chromosomes, predominantly at a frequency of 0.035 within the European (Finnish) subpopulation in the gnomAD database, including 27 homozygotes. This frequency exceeds the maximum pathogenic allele frequency estimated for a pathogenic variant in CFTR causing CFTR-Related Diseases (0.035 vs 0.013), providing strong evidence that this variant is likely benign. c.650A>G has been reported in the literature in individuals affected with CFTR-Related Diseases such as Cystic Fibrosis (CF), chronic pancreatitis and CBAVD (example: Audrezet_2002, Guan_2018, Petrova_2020, Luo_2021), but also in many controls (example: Kars_2021). These reports do not provide unequivocal conclusions about association of the variant with CFTR-Related Diseases. Munck et al (2019) report a patient with inconclusive CF diagnosis harboring a second allele of F508del, with sweat chloride levels < 30 mmol/L. Petroval et al (2020) reported another patient with F508del in trans who had a diagnosis of CF, with sweat chloride levels of 63 mmol/L. CFTR-France database reports this variant in two asymptomatic compound heterozygotes with a CF-causing variant in trans. However we were not able to find reports of this variant segregating with disease within large families. Functional studies report decreased chloride channel activity associated with the variant when transfected into CHO-K1 and BHK cells (Hammerl_2001, Lee_2003, Chang_2018, Bihler_2024). The following publications have been ascertained in the context of this evaluation (PMID: 15463840, 11938439, 16596947, 38388235, 29307731, 17539902, 29997923, 11278813, 34426522, 20879059, 26089335, 39529847, 31882543, 12952861, 22483971, 32777524, 22664493, 16126774, 31916691, 32429104, 31245908, 18304229, 21520337, 26436105, 11589722, 27706244, 31423445, 17516627, 24586523). ClinVar contains an entry for this variant (Variation ID: 7238). Based on the evidence outlined above, the variant was classified as likely benign.

Mayo Clinic Laboratories, Mayo Clinic
Classification: Uncertain significance. Last evaluated: 2025-06-26. Review status: criteria provided, single submitter. Criteria: ACMG Guidelines, 2015. Collection method: clinical testing. Allele origin: germline. Observed: 7 variant alleles.
Comment: BS1, BS2, PM3_strong, PS3

Quest Diagnostics Nichols Institute San Juan Capistrano
Classification: Uncertain significance. Last evaluated: 2025-01-23. Review status: criteria provided, single submitter. Criteria: Quest Diagnostics criteria. Collection method: clinical testing. Allele origin: unknown.
Comment: The CFTR c.650A>G (p.Glu217Gly) variant has been reported in individuals with cystic fibrosis (CF) (PMID: 32429104 (2020), CFMD, CFTR-France) and CFTR-related disorders such as CFTR-related metabolic syndrome (PMID: 36409994 (2022)), congenital absence of vas deferens (PMIDs: 35119551 (2022), 32777524 (2021), 22483971 (2012)), bronchiectasis (PMIDs: 29997923 (2018), 12952861 (2003)), and pancreatitis (PMIDs: 29173301 (2017), 23951356 (2013), 21520337 (2011)). This variant has also been identified in reportedly healthy individuals (PMIDs: 32777524 (2021), 29997923 (2018), 26089335 (2015), 12952861 (2003)), and in-trans with other CF-causing variants in asymptomatic individuals (CFTR-France). Studies have referred to this variant as a "mild" CF allele (PMIDs: 23951356 (2013), 12952861 (2003)). However, functional studies report this variant results in reduced chloride channel activity and CFTR protein maturation (PMIDs: 29307731 (2018), 12952861 (2003), 11278813 (2001)). The frequency of this variant in the general population (Genome Aggregation Database) is higher than would generally be expected for pathogenic variants in this gene. Analysis of this variant using bioinformatics tools for the prediction of the effect of amino acid changes on protein structure and function yielded predictions that this variant is benign. Based on the available information, we are unable to determine the clinical significance of this variant.

Blueprint Genetics
Classification: Likely benign. Last evaluated: 2024-11-22. Review status: criteria provided, single submitter. Criteria: ACMG Guidelines, 2015. Collection method: clinical testing. Allele origin: germline.

NM_000492.4(CFTR):c.650A>G (p.Glu217Gly)

Gene: CFTR (CF transmembrane conductance regulator; plus strand). Cytogenetic location: 7q31.2.
Variant type: single nucleotide variant.
Coding change: c.650A>G on transcript NM_000492.4 (MANE Select); coding-DNA position 650, A replaced by G.
Protein change: p.Glu217Gly; replaces glutamic acid 217 with glycine.
Molecular consequence: missense variant.
Genome position (GRCh38, 1-based): chr7:117,535,318, A>G. VCF-style: chr7-117535318-A-G. GRCh37 (hg19) VCF-style: chr7-117175372-A-G.
Other names: short protein forms E217G.
Identifiers: ClinVar variation 7238 (VCV000007238.78), dbSNP rs121909046, ClinGen allele CA254120.